The following is an entry in ClinVar:

NM_032193.4(RNASEH2C):c.223G>A (p.Val75Met)

Gene: RNASEH2C (ribonuclease H2 subunit C; minus strand). Cytogenetic location: 11q13.1.
Variant type: single nucleotide variant.
Coding change: c.223G>A on transcript NM_032193.4 (MANE Select); coding-DNA position 223, G replaced by A.
Protein change: p.Val75Met; replaces valine 75 with methionine.
Molecular consequence: missense variant.
Genome position (GRCh38, 1-based): chr11:65,720,367, C>T on the plus strand (G>A on the coding strand, the complement: RNASEH2C is on the minus strand). VCF-style: chr11-65720367-C-T. GRCh37 (hg19) VCF-style: chr11-65487838-C-T.
Other names: short protein forms V75M.
Identifiers: ClinVar variation 1026187 (VCV001026187.6), dbSNP rs1857352830, ClinGen allele CA381298975.

ClinVar aggregate classification (germline): Uncertain significance (1 of 4 stars; one submission).

Conditions:
Aicardi-Goutieres syndrome 3. Identifiers: Orphanet 51, MedGen C1835916, MONDO:0012471, OMIM 610329.

Allele frequency attached by ClinVar (database versions not stated): gnomAD 0.00001.
gnomAD v4.1: 2 of 1,614,120 alleles (0.00012%); highest among the groups gnomAD compares: South Asian, 0.0011%; no homozygotes.

Submission:

Labcorp Genetics (formerly Invitae), Labcorp
Classification: Uncertain significance for Aicardi-Goutieres syndrome 3. Last evaluated: 2021-09-01. Review status: criteria provided, single submitter. Criteria: Invitae Variant Classification Sherloc (09022015). Collection method: clinical testing. Allele origin: germline.
Comment: This sequence change replaces valine with methionine at codon 75 of the RNASEH2C protein (p.Val75Met). The valine residue is moderately conserved and there is a small physicochemical difference between valine and methionine. This variant is not present in population databases (ExAC no frequency). This variant has not been reported in the literature in individuals affected with RNASEH2C-related conditions. Algorithms developed to predict the effect of missense changes on protein structure and function are either unavailable or do not agree on the potential impact of this missense change (SIFT: "Deleterious"; PolyPhen-2: "Probably Damaging"; Align-GVGD: "Class C0"). In summary, the available evidence is currently insufficient to determine the role of this variant in disease. Therefore, it has been classified as a Variant of Uncertain Significance.